The following is an entry in ClinVar:

NM_000501.4(ELN):c.889+1G>C

Gene: ELN (elastin; plus strand). Cytogenetic location: 7q11.23.
Variant type: single nucleotide variant.
Coding change: c.889+1G>C on transcript NM_000501.4 (MANE Select); the canonical splice donor site of the intron after coding-DNA position 889, G replaced by C.
Molecular consequence: splice donor variant.
Genome position (GRCh38, 1-based): chr7:74,051,840, G>C. VCF-style: chr7-74051840-G-C. GRCh37 (hg19) VCF-style: chr7-73466170-G-C.
Other names: c.904+1G>C (NM_001081754.3, NM_001081753.3); c.889+1G>C (NM_001278939.2, NM_001278915.2, NM_001278912.2 and 1 more transcripts); c.847+1G>C (NM_001278916.2); c.781+1G>C (NM_001278913.2); c.874+1G>C (NM_001278914.2); c.859+1G>C (NM_001278917.2, NM_001081752.3); c.757+1G>C (NM_001278918.2).
Identifiers: ClinVar variation 1066323 (VCV001066323.9), dbSNP rs782238674, ClinGen allele CA367871194.

ClinVar aggregate classification (germline): Likely pathogenic (1 of 4 stars; one submission).

Conditions:
Supravalvar aortic stenosis (SVAS). Also called: Supravalvar aortic stenosis, Eisenberg type. Identifiers: Orphanet 3193, MedGen C0003499, MONDO:0008504, OMIM 185500, HP:0004381.

Submission:

Labcorp Genetics (formerly Invitae), Labcorp
Classification: Likely pathogenic for Supravalvar aortic stenosis. Last evaluated: 2024-08-08. Review status: criteria provided, single submitter. Criteria: Invitae Variant Classification Sherloc (09022015). Collection method: clinical testing. Allele origin: germline.
Comment: This sequence change affects a donor splice site in intron 16 of the ELN gene. It is expected to disrupt RNA splicing. Variants that disrupt the donor or acceptor splice site typically lead to a loss of protein function (PMID: 16199547), and loss-of-function variants in ELN are known to be pathogenic (PMID: 11175284). This variant is not present in population databases (gnomAD no frequency). Disruption of this splice site has been observed in individual(s) with supravalvular aortic stenosis (Invitae). ClinVar contains an entry for this variant (Variation ID: 1066323). Algorithms developed to predict the effect of sequence changes on RNA splicing suggest that this variant may disrupt the consensus splice site. In summary, the currently available evidence indicates that the variant is pathogenic, but additional data are needed to prove that conclusively. Therefore, this variant has been classified as Likely Pathogenic.

Literature cited by the submitters: PubMed 16199547; PubMed 11175284.